The following is an entry in ClinVar:

ClinVar aggregate classification (germline): Conflicting classifications of pathogenicity. Review status: criteria provided, conflicting classifications (1 of 4 stars). 3 submissions from 3 submitters: Uncertain significance (2); Likely benign (1). Last evaluated 2026-01-27.

Conditions:
NEB-related disorder. Also called: NEB-Related Disorders; NEB-related condition.
Nemaline myopathy 2 (NEM2). Also called: Nemaline myopathy 2, autosomal recessive. Identifiers: MedGen C1850569, MONDO:0009725, OMIM 256030.
Inborn genetic diseases. Identifiers: MedGen C0950123, MeSH D030342.

Allele frequency attached by ClinVar (database versions not stated): gnomAD exomes 0.00001; ExAC 0.00003; gnomAD 0.00003; TOPMed 0.00004.
gnomAD v4.1: 20 of 1,604,366 alleles (0.0012%); highest among the groups gnomAD compares: East Asian, 0.016%; no homozygotes.

Submissions (3):

Labcorp Genetics (formerly Invitae), Labcorp
Classification: Likely benign for Nemaline myopathy 2. Last evaluated: 2026-01-27. Review status: criteria provided, single submitter. Criteria: Invitae Variant Classification Sherloc (09022015). Collection method: clinical testing. Allele origin: germline.

Ambry Genetics
Classification: Uncertain significance for Inborn genetic diseases. Last evaluated: 2024-01-03. Review status: criteria provided, single submitter. Criteria: Ambry Variant Classification Scheme 2023. Collection method: clinical testing. Allele origin: germline.

PreventionGenetics, part of Exact Sciences
Classification: Uncertain significance for NEB-related condition. Last evaluated: 2023-07-27. Review status: criteria provided, single submitter. Criteria: ACMG Guidelines, 2015. Collection method: clinical testing. Allele origin: germline.
Comment: The NEB c.24965G>A variant is predicted to result in the amino acid substitution p.Arg8322Gln. To our knowledge, this variant has not been reported in the literature. This variant is reported in 0.042% of alleles in individuals of East Asian descent in gnomAD. At this time, the clinical significance of this variant is uncertain due to the absence of conclusive functional and genetic evidence.

NM_001164508.2(NEB):c.24860G>A (p.Arg8287Gln)

Genes: RIF1 (replication timing regulatory factor 1; plus strand), NEB (nebulin; minus strand). Cytogenetic location: 2q23.3.
Variant type: single nucleotide variant.
Coding change: c.24860G>A on transcript NM_001164508.2 (MANE Select); coding-DNA position 24860, G replaced by A.
Protein change: p.Arg8287Gln; replaces arginine 8287 with glutamine.
Molecular consequence: missense variant.
Genome position (GRCh38, 1-based): chr2:151,492,400, C>T on the plus strand (G>A on the coding strand, the complement: NEB is on the minus strand). VCF-style: chr2-151492400-C-T. GRCh37 (hg19) VCF-style: chr2-152348914-C-T.
Other names: c.19292G>A (NM_004543.4); c.24860G>A, p.Arg8287Gln (NM_001164507.2); c.24965G>A, p.Arg8322Gln (NM_001271208.2); c.19292G>A, p.Arg6431Gln (NM_004543.5); short protein forms R6431Q, R8287Q, R8322Q.
Identifiers: ClinVar variation 2074517 (VCV002074517.6), dbSNP rs780439412, ClinGen allele CA1905893.
Genomic context (GRCh38, chr2:151,492,400, plus strand): 5'-CACATTCTGACAGGCAGCCAGCCAATCCTAAAGAATTCCTGACTCACCGTTGAGATGTGC[C>T]GTTGGGTCTCCCTCACCCGTCTCATCTCGGGGGTATCCAATACATAGGCAGCTTTGCCTT-3'
Protein context (NP_001157980.2, residues 8277-8297): PEMRRVRETQ[Arg8287Gln]HISTVKYHED